The following is an entry in ClinVar:

NM_004360.5(CDH1):c.1169A>C (p.Asn390Thr)

Gene: CDH1 (cadherin 1; plus strand). Cytogenetic location: 16q22.1.
Variant type: single nucleotide variant.
Coding change: c.1169A>C on transcript NM_004360.5 (MANE Select); coding-DNA position 1169, A replaced by C.
Protein change: p.Asn390Thr; replaces asparagine 390 with threonine.
Molecular consequence: missense variant. On other transcripts: 5 prime UTR variant (2), intron variant (1).
Genome position (GRCh38, 1-based): chr16:68,813,344, A>C. VCF-style: chr16-68813344-A-C. GRCh37 (hg19) VCF-style: chr16-68847247-A-C.
Other names: c.-447A>C (NM_001317185.2); c.-651A>C (NM_001317186.2); c.1137+1081A>C (NM_001317184.2); short protein forms N390T.
Identifiers: ClinVar variation 4756615 (VCV004756615.1).
Genomic context (GRCh38, chr16:68,813,344, plus strand): 5'-TGTAAATGACACATCTCTTTGCTCTGCAGTACAAGGGTCAGGTGCCTGAGAACGAGGCTA[A>C]CGTCGTAATCACCACACTGAAAGTGACTGATGCTGATGCCCCCAATACCCCAGCGTGGGA-3'
Protein context (NP_004351.1, residues 380-400): YKGQVPENEA[Asn390Thr]VVITTLKVTD

ClinVar aggregate classification (germline): Uncertain significance (1 of 4 stars; one submission).

Conditions:
Hereditary cancer-predisposing syndrome. Also called: Tumor predisposition; Hereditary Cancer Syndrome; Neoplastic Syndromes, Hereditary; Hereditary neoplastic syndrome. Identifiers: Orphanet 140162, MedGen C0027672, MeSH D009386, MONDO:0015356.

Submission:

Color Diagnostics, LLC DBA Color Health
Classification: Uncertain significance for Hereditary cancer-predisposing syndrome. Last evaluated: 2025-04-28. Review status: criteria provided, single submitter. Criteria: ACMG Guidelines, 2015. Collection method: clinical testing. Allele origin: germline.
Comment: This missense variant replaces asparagine with threonine at codon 390 of the CDH1 protein. To our knowledge, functional studies have not been reported for this variant. This variant has not been reported in individuals affected with CDH1-related disorders in the literature. This variant has not been identified in the general population by the Genome Aggregation Database (gnomAD). The available evidence is insufficient to determine the role of this variant in disease conclusively. Therefore, this variant is classified as a Variant of Uncertain Significance.